The following is an entry in ClinVar:

ClinVar aggregate classification (germline): Uncertain significance (1 of 4 stars; one submission).

gnomAD v4.1: 31 of 1,614,132 alleles (0.0019%); highest among the groups gnomAD compares: Non-Finnish European, 0.0025%; no homozygotes.

Submission:

Mayo Clinic Laboratories, Mayo Clinic
Classification: Uncertain significance. Last evaluated: 2023-12-11. Review status: criteria provided, single submitter. Criteria: ACMG Guidelines, 2015. Collection method: clinical testing. Allele origin: germline. Observed: 1 variant allele.
Comment: PM2_moderate

Literature cited by the submitters: PubMed 31307431.

NM_000295.5(SERPINA1):c.592A>G (p.Lys198Glu)

Gene: SERPINA1 (serpin family A member 1; minus strand). Cytogenetic location: 14q32.13.
Variant type: single nucleotide variant.
Coding change: c.592A>G on transcript NM_000295.5 (MANE Select); coding-DNA position 592, A replaced by G.
Protein change: p.Lys198Glu; replaces lysine 198 with glutamic acid.
Molecular consequence: missense variant.
Genome position (GRCh38, 1-based): chr14:94,382,646, T>C on the plus strand (A>G on the coding strand, the complement: SERPINA1 is on the minus strand). VCF-style: chr14-94382646-T-C. GRCh37 (hg19) VCF-style: chr14-94848983-T-C.
Other names: p.Lys198Glu; c.592A>G, p.Lys198Glu (NM_001002235.3, NM_001002236.3, NM_001127700.2 and 7 more transcripts); short protein forms K198E.
Identifiers: ClinVar variation 3380234 (VCV003380234.1).